The following is an entry in ClinVar:

NM_003931.3(WASF1):c.733C>G (p.His245Asp)

Gene: WASF1 (WASP family member 1; minus strand). Cytogenetic location: 6q21.
Variant type: single nucleotide variant.
Coding change: c.733C>G on transcript NM_003931.3 (MANE Select); coding-DNA position 733, C replaced by G.
Protein change: p.His245Asp; replaces histidine 245 with aspartic acid.
Molecular consequence: missense variant.
Genome position (GRCh38, 1-based): chr6:110,103,538, G>C on the plus strand (C>G on the coding strand, the complement: WASF1 is on the minus strand). VCF-style: chr6-110103538-G-C. GRCh37 (hg19) VCF-style: chr6-110424741-G-C.
Other names: c.733C>G, p.His245Asp (NM_001024934.2, NM_001024935.2, NM_001024936.2); short protein forms H245D.
Identifiers: ClinVar variation 2136226 (VCV002136226.2), dbSNP rs2534216248, ClinGen allele CA365350626.
Genomic context (GRCh38, chr6:110,103,538, plus strand): 5'-TCAGAAGCTCACTCATCTGACTAAATGGCAAGGCAGAAAGTGAGTAAGATCCATCCATAT[G>C]ATCCACGTATGTCTGAGGTCTAAAAGAAATATATAGTATCAGTGAATTATTCTTGAATTA-3'
Protein context (NP_003922.1, residues 235-255): FETRPQTYVD[His245Asp]MDGSYSLSAL

ClinVar aggregate classification (germline): Uncertain significance (1 of 4 stars; one submission).

Submission:

GeneDx
Classification: Uncertain significance. Last evaluated: 2024-01-16. Review status: criteria provided, single submitter. Criteria: GeneDx Variant Classification Process June 2021. Collection method: clinical testing. Allele origin: germline. Affected: yes.
Comment: Not observed at significant frequency in large population cohorts (gnomAD); In silico analysis supports that this missense variant does not alter protein structure/function; Has not been previously published as pathogenic or benign to our knowledge